The following is an entry in ClinVar:

NM_018942.3(HMX1):c.458G>A (p.Arg153Gln)

Gene: HMX1 (H6 family homeobox 1; minus strand). Cytogenetic location: 4p16.1.
Variant type: single nucleotide variant.
Coding change: c.458G>A on transcript NM_018942.3 (MANE Select); coding-DNA position 458, G replaced by A.
Protein change: p.Arg153Gln; replaces arginine 153 with glutamine.
Molecular consequence: missense variant. On other transcripts: intron variant (1).
Genome position (GRCh38, 1-based): chr4:8,868,282, C>T on the plus strand (G>A on the coding strand, the complement: HMX1 is on the minus strand). VCF-style: chr4-8868282-C-T. GRCh37 (hg19) VCF-style: chr4-8870008-C-T.
Other names: c.394+2939G>A (NM_001306142.2); short protein forms R153Q.
Identifiers: ClinVar variation 1039011 (VCV001039011.8), dbSNP rs1210092833, ClinGen allele CA356278569.
Genomic context (GRCh38, chr4:8,868,282, plus strand): 5'-GCCGGGCCACGCGCCGCCAGCTCCGCTGCCTCCCGCTGCACCGCTCCCGGCCCGGGGCCT[C>T]GCGGCCAGGCGCCCTCCGCACGGCCCATCTCCTCGCCCGTCTCCGGTGAGTCCCGGTCGC-3'
Protein context (NP_061815.2, residues 143-163): EMGRAEGAWP[Arg153Gln]GPGPGAVQRE

ClinVar aggregate classification (germline): Uncertain significance (1 of 4 stars; one submission).

Allele frequency attached by ClinVar (database versions not stated): gnomAD exomes below 0.00001; gnomAD 0.00001; TOPMed 0.00001.

Submission:

Labcorp Genetics (formerly Invitae), Labcorp
Classification: Uncertain significance. Last evaluated: 2020-10-21. Review status: criteria provided, single submitter. Criteria: Invitae Variant Classification Sherloc (09022015). Collection method: clinical testing. Allele origin: germline.
Comment: In summary, the available evidence is currently insufficient to determine the role of this variant in disease. Therefore, it has been classified as a Variant of Uncertain Significance. Algorithms developed to predict the effect of missense changes on protein structure and function (SIFT, PolyPhen-2, Align-GVGD) all suggest that this variant is likely to be tolerated, but these predictions have not been confirmed by published functional studies and their clinical significance is uncertain. This variant has not been reported in the literature in individuals with HMX1-related conditions. The frequency data for this variant in the population databases is considered unreliable, as metrics indicate insufficient coverage at this position in the ExAC database. This sequence change replaces arginine with glutamine at codon 153 of the HMX1 protein (p.Arg153Gln). The arginine residue is moderately conserved and there is a small physicochemical difference between arginine and glutamine.